The following is an entry in ClinVar:

ClinVar aggregate classification (germline): Uncertain significance (1 of 4 stars; one submission).

Conditions:
Myopathy, centronuclear, 2 (CNM2). Also called: MYOTUBULAR MYOPATHY, AUTOSOMAL RECESSIVE. Identifiers: Orphanet 169186, MedGen CN031787, MONDO:0009709, OMIM 255200.

gnomAD v4.1: 24 of 1,603,568 alleles (0.0015%); highest among the groups gnomAD compares: Non-Finnish European, 0.002%; no homozygotes.

Submission:

Labcorp Genetics (formerly Invitae), Labcorp
Classification: Uncertain significance for Myopathy, centronuclear, 2. Last evaluated: 2024-04-06. Review status: criteria provided, single submitter. Criteria: Invitae Variant Classification Sherloc (09022015). Collection method: clinical testing. Allele origin: germline.
Comment: This sequence change falls in intron 10 of the BIN1 gene. It does not directly change the encoded amino acid sequence of the BIN1 protein. It affects a nucleotide within the consensus splice site. This variant is present in population databases (rs61748156, gnomAD 0.002%). This variant has not been reported in the literature in individuals affected with BIN1-related conditions. Variants that disrupt the consensus splice site are a relatively common cause of aberrant splicing (PMID: 17576681, 9536098). Algorithms developed to predict the effect of sequence changes on RNA splicing suggest that this variant is not likely to affect RNA splicing. In summary, the available evidence is currently insufficient to determine the role of this variant in disease. Therefore, it has been classified as a Variant of Uncertain Significance.

Literature cited by the submitters: PubMed 17576681; PubMed 9536098.

NM_139343.3(BIN1):c.857+4C>G

Gene: BIN1 (bridging integrator 1; minus strand). Cytogenetic location: 2q14.3.
Variant type: single nucleotide variant.
Coding change: c.857+4C>G on transcript NM_139343.3 (MANE Select); 4 bases into the intron after coding-DNA position 857, C replaced by G.
Molecular consequence: intron variant.
Genome position (GRCh38, 1-based): chr2:127,062,111, G>C on the plus strand (C>G on the coding strand, the complement: BIN1 is on the minus strand). VCF-style: chr2-127062111-G-C. GRCh37 (hg19) VCF-style: chr2-127819687-G-C.
Other names: c.776+4C>G (NM_001320642.1); c.692+4C>G (NM_001320634.1); c.764+4C>G (NM_139351.3, NM_139350.3, NM_139349.3 and 6 more transcripts); c.857+4C>G (NM_001320633.2, NM_139345.3, NM_139344.3 and 1 more transcripts).
Identifiers: ClinVar variation 2979930 (VCV002979930.3), dbSNP rs61748156, ClinGen allele CA55348121.
Genomic context (GRCh38, chr2:127,062,111, plus strand): 5'-CAGGAAGGAGCCCTGCCCCTGCCGTGCACACAGTCAGGGGCGCCAGGGCTCTCCCCGCAC[G>C]CACCTGGGCTGGGCCTTGACCGTGAAGGTGTTGCTCCCGTGTTGCTTCTCCAGGCCGACC-3'